The following is an entry in ClinVar:

ClinVar aggregate classification (germline): Uncertain significance (1 of 4 stars; one submission).

Conditions:
Multiple endocrine neoplasia, type 1 (MEN1). Also called: MEA I; MEN I; WERMER SYNDROME; Endocrine adenomatosis multiple; MEN 1. Identifiers: Orphanet 652, MedGen C0025267, MeSH D018761, MONDO:0007540, OMIM 131100.

gnomAD v4.1: 2 of 1,596,442 alleles (0.00013%); highest among the groups gnomAD compares: Non-Finnish European, 0.00017%; no homozygotes.

Submission:

Dasa
Classification: Uncertain significance for Multiple endocrine neoplasia, type 1. Last evaluated: 2025-06-23. Review status: criteria provided, single submitter. Criteria: DASA Assertion Criteria. Collection method: clinical testing. Allele origin: germline.
Comment: NM_001370259.2(MEN1):c.220G>A (p.Gly74Ser) is a missense variant that results in the substitution of glycine with serine. This variant is rare in population databases. The currently available literature and clinical evidence are not sufficient to establish a definitive association between this variant and the reported condition. Therefore, this variant is classified as a variant of uncertain significance.

NM_001370259.2(MEN1):c.220G>A (p.Gly74Ser)

Gene: MEN1 (menin 1; minus strand). Cytogenetic location: 11q13.1.
Variant type: single nucleotide variant.
Coding change: c.220G>A on transcript NM_001370259.2 (MANE Select); coding-DNA position 220, G replaced by A.
Protein change: p.Gly74Ser; replaces glycine 74 with serine.
Molecular consequence: missense variant. On other transcripts: non-coding transcript variant (4).
Genome position (GRCh38, 1-based): chr11:64,809,890, C>T on the plus strand (G>A on the coding strand, the complement: MEN1 is on the minus strand). VCF-style: chr11-64809890-C-T. GRCh37 (hg19) VCF-style: chr11-64577362-C-T.
Other names: c.220G>A, p.Gly74Ser (NM_000244.4, NM_001370251.2, NM_001370260.2 and 20 more transcripts); short protein forms G74S.
Identifiers: ClinVar variation 4882633 (VCV004882633.2).